The following is an entry in ClinVar:

NM_000271.5(NPC1):c.882-2A>G

Gene: NPC1 (NPC intracellular cholesterol transporter 1; minus strand). Cytogenetic location: 18q11.2.
Variant type: single nucleotide variant.
Coding change: c.882-2A>G on transcript NM_000271.5 (MANE Select); the canonical splice acceptor site of the intron before coding-DNA position 882, A replaced by G.
Molecular consequence: splice acceptor variant.
Genome position (GRCh38, 1-based): chr18:23,557,192, T>C on the plus strand (A>G on the coding strand, the complement: NPC1 is on the minus strand). VCF-style: chr18-23557192-T-C. GRCh37 (hg19) VCF-style: chr18-21137156-T-C.
Identifiers: ClinVar variation 4818074 (VCV004818074.1).

ClinVar aggregate classification (germline): Likely pathogenic (1 of 4 stars; one submission).

Conditions:
Niemann-Pick disease, type C1. Also called: NIEMANN-PICK DISEASE, VARIANT TYPE C1; NEUROVISCERAL STORAGE DISEASE WITH VERTICAL SUPRANUCLEAR OPHTHALMOPLEGIA; NIEMANN-PICK DISEASE WITH CHOLESTEROL ESTERIFICATION BLOCK; NIEMANN-PICK DISEASE WITHOUT SPHINGOMYELINASE DEFICIENCY; NIEMANN-PICK DISEASE, CHRONIC NEURONOPATHIC FORM. Identifiers: Orphanet 646, MedGen C3179455, MONDO:0009757, OMIM 257220.

Submission:

Natera, Inc.
Classification: Likely pathogenic for Niemann-Pick disease type C1. Last evaluated: 2024-09-04. Review status: criteria provided, single submitter. Criteria: Natera Variant Classification Schema (03/2026). Collection method: clinical testing. Allele origin: germline.
Comment: The c.882-2A>G variant in NPC1 is a canonical splice acceptor site variant predicted to affect pre-mRNA splicing, which may result in an abnormal transcript and altered protein product. This variant is expected to result in nonsense mediated decay, truncation, or a dysfunctional protein product. This variant is rare in the general population with a frequency below the threshold expected for the associated phenotype(s). Given the available evidence, this variant is classified as Likely Pathogenic.